The following is an entry in ClinVar:

NM_138694.4(PKHD1):c.5444_5445del (p.Thr1815fs)

Gene: PKHD1 (PKHD1 ciliary IPT domain containing fibrocystin/polyductin; minus strand). Cytogenetic location: 6p12.2.
Variant type: Deletion.
Coding change: c.5444_5445del on transcript NM_138694.4 (MANE Select); coding-DNA positions 5444 to 5445, 2 bases deleted (CC; older notation c.5444_5445delCC).
Protein change: p.Thr1815fs; shifts the reading frame from threonine 1815.
Molecular consequence: frameshift variant.
Genome position (GRCh38, 1-based): chr6:52,017,565-52,017,566, GG deleted on the plus strand (CC on the coding strand, the reverse complement: PKHD1 is on the minus strand). VCF-style (leftmost placement, unchanged base first): chr6-52017564-AGG-A. GRCh37 (hg19) VCF-style: chr6-51882362-AGG-A.
Other names: c.5444_5445del, p.Thr1815fs (NM_170724.3); c.5444_5445del (NM_138694.3); short protein forms T1815fs.
Identifiers: ClinVar variation 3593893 (VCV003593893.2).
Genomic context (GRCh38, chr6:52,017,564, plus strand): 5'-AAGGCCACGATTCAAGCAGTTGCTCTGTCGCCATGGCAACTGTCAAATCACACTGCACAT[AGG>A]TGTGTCTGGCAGCCTCACAGCTGTCCTCCTCACGCTTCAGGCCACACAGGAAGGCCAAGG-3'

ClinVar aggregate classification (germline): Likely pathogenic. Review status: criteria provided, multiple submitters, no conflicts (2 of 4 stars). 2 submissions from 2 submitters: Likely pathogenic (2). Last evaluated 2025-12-08.

Conditions:
Autosomal recessive polycystic kidney disease (ARPKD). Also called: AR polycystic kidney disease. Identifiers: Orphanet 731, Orphanet 8378, MedGen C0085548, MeSH D017044, MONDO:0009889.
Polycystic kidney disease 4 (PKD4). Also called: Autosomal Recessive Polycystic Kidney Disease – PKHD1; PKD3; POLYCYSTIC KIDNEY AND HEPATIC DISEASE 1; POLYCYSTIC KIDNEY DISEASE, INFANTILE, TYPE I; POLYCYSTIC KIDNEY DISEASE 4 WITH OR WITHOUT POLYCYSTIC LIVER DISEASE. Identifiers: MedGen C4540575, MONDO:0033004, OMIM 263200.

Submissions (2):

Natera, Inc.
Classification: Likely pathogenic for Autosomal recessive polycystic kidney disease. Last evaluated: 2025-12-08. Review status: criteria provided, single submitter. Criteria: Natera Variant Classification Schema (03/2026). Collection method: clinical testing. Allele origin: germline.
Comment: The c.5444_5445del variant in PKHD1 is a frameshift variant predicted to shift the reading frame beginning at codon 1815 and leads to a stop codon 5 codons downstream. This variant is expected to result in nonsense mediated decay, truncation, or a dysfunctional protein product. This variant is rare in the general population with a frequency below the threshold expected for the associated phenotype(s). Given the available evidence, this variant is classified as Likely Pathogenic.

Fulgent Genetics
Classification: Likely pathogenic for Polycystic kidney disease 4. Last evaluated: 2024-02-09. Review status: criteria provided, single submitter. Criteria: ACMG Guidelines, 2015. Collection method: clinical testing. Allele origin: germline.